The following is an entry in ClinVar:

ClinVar aggregate classification (germline): Likely pathogenic. Review status: criteria provided, multiple submitters, no conflicts (2 of 4 stars). 2 submissions from 2 submitters: Likely pathogenic (2). Last evaluated 2024-06-24.

Conditions:
Enterokinase deficiency. Also called: Congenital enteropathy due to enteropeptidase deficiency; Deficiency of enteropeptidase; ENTEROPEPTIDASE DEFICIENCY. Identifiers: Orphanet 168601, MedGen C0268416, MONDO:0009173, OMIM 226200.

Allele frequency attached by ClinVar (database versions not stated): gnomAD exomes 0.00001; gnomAD 0.00002; ESP Exome Variant Server 0.00015.
gnomAD v4.1: 19 of 1,608,296 alleles (0.0012%); highest among the groups gnomAD compares: Non-Finnish European, 0.0016%; no homozygotes.

Submissions (2):

Labcorp Genetics (formerly Invitae), Labcorp
Classification: Likely pathogenic. Last evaluated: 2024-06-24. Review status: criteria provided, single submitter. Criteria: Invitae Variant Classification Sherloc (09022015). Collection method: clinical testing. Allele origin: germline.
Comment: This sequence change affects an acceptor splice site in intron 16 of the TMPRSS15 gene. It is expected to disrupt RNA splicing. Variants that disrupt the donor or acceptor splice site typically lead to a loss of protein function (PMID: 16199547), and loss-of-function variants in TMPRSS15 are known to be pathogenic (PMID: 11719902). This variant is present in population databases (rs376129645, gnomAD 0.003%). This variant has not been reported in the literature in individuals affected with TMPRSS15-related conditions. ClinVar contains an entry for this variant (Variation ID: 1325205). Algorithms developed to predict the effect of sequence changes on RNA splicing suggest that this variant may disrupt the consensus splice site. In summary, the currently available evidence indicates that the variant is pathogenic, but additional data are needed to prove that conclusively. Therefore, this variant has been classified as Likely Pathogenic.

Revvity Omics, Revvity
Classification: Likely pathogenic for Enterokinase deficiency. Last evaluated: 2019-10-30. Review status: criteria provided, single submitter. Criteria: ACMG Guidelines, 2015. Collection method: clinical testing. Allele origin: germline.

Literature cited by the submitters: PubMed 16199547 (cited by Labcorp Genetics (formerly Invitae), Labcorp); PubMed 11719902 (cited by Labcorp Genetics (formerly Invitae), Labcorp).

NM_002772.3(TMPRSS15):c.1922-1G>A

Gene: TMPRSS15 (transmembrane serine protease 15; minus strand). Cytogenetic location: 21q21.1.
Variant type: single nucleotide variant.
Coding change: c.1922-1G>A on transcript NM_002772.3 (MANE Select); the canonical splice acceptor site of the intron before coding-DNA position 1922, G replaced by A.
Molecular consequence: splice acceptor variant.
Genome position (GRCh38, 1-based): chr21:18,315,257, C>T on the plus strand (G>A on the coding strand, the complement: TMPRSS15 is on the minus strand). VCF-style: chr21-18315257-C-T. GRCh37 (hg19) VCF-style: chr21-19687574-C-T.
Identifiers: ClinVar variation 1325205 (VCV001325205.7), dbSNP rs376129645, ClinGen allele CA318102974.